The following is an entry in ClinVar:

NM_001395159.1(UNC79):c.3102C>T (p.Ala1034=)

Gene: UNC79 (unc-79 subunit of NALCN channel complex; plus strand). Cytogenetic location: 14q32.12.
Variant type: single nucleotide variant.
Coding change: c.3102C>T on transcript NM_001395159.1 (MANE Select); coding-DNA position 3102, C replaced by T.
Protein change: p.Ala1034=; no amino-acid change (alanine 1034 retained).
Molecular consequence: synonymous variant.
Genome position (GRCh38, 1-based): chr14:93,593,749, C>T. VCF-style: chr14-93593749-C-T. GRCh37 (hg19) VCF-style: chr14-94060095-C-T.
Other names: c.3102C>T, p.Ala1034= (NM_001346218.2); c.2571C>T, p.Ala857= (NM_020818.5).
Identifiers: ClinVar variation 4533670 (VCV004533670.6).

ClinVar aggregate classification (germline): Likely benign (1 of 4 stars; one submission).

gnomAD v4.1: 452 of 1,614,104 alleles (0.028%); highest among the groups gnomAD compares: Non-Finnish European, 0.035%; no homozygotes.

Submission:

CeGaT Center for Human Genetics Tuebingen
Classification: Likely benign. Last evaluated: 2025-10-01. Review status: criteria provided, single submitter. Criteria: CeGaT Center For Human Genetics Tuebingen Variant Classification Criteria Version 2. Collection method: clinical testing. Allele origin: germline. Affected: yes. Observed: 1 variant allele.
Comment: UNC79: BP4, BP7